The following is an entry in ClinVar:

NM_000718.4(CACNA1B):c.2691G>A (p.Ala897=)

Gene: CACNA1B (calcium voltage-gated channel subunit alpha1 B; plus strand). Cytogenetic location: 9q34.3.
Variant type: single nucleotide variant.
Coding change: c.2691G>A on transcript NM_000718.4 (MANE Select); coding-DNA position 2691, G replaced by A.
Protein change: p.Ala897=; no amino-acid change (alanine 897 retained).
Molecular consequence: synonymous variant.
Genome position (GRCh38, 1-based): chr9:138,023,434, G>A. VCF-style: chr9-138023434-G-A. GRCh37 (hg19) VCF-style: chr9-140917886-G-A.
Other names: c.2691G>A (NM_000718.3); c.2691G>A, p.Ala897= (NM_001243812.2).
Identifiers: ClinVar variation 1946399 (VCV001946399.28), dbSNP rs1241969468, ClinGen allele CA468161637.

ClinVar aggregate classification (germline): Likely benign. Review status: criteria provided, multiple submitters, no conflicts (2 of 4 stars). 4 submissions from 4 submitters: Likely benign (4). Last evaluated 2026-01-24.

Conditions:
CACNA1B-related disorder. Also called: CACNA1B-related condition.

Allele frequency attached by ClinVar (database versions not stated): TOPMed 0.00003; gnomAD 0.00004.
gnomAD v4.1: 48 of 1,267,934 alleles (0.0038%); highest among the groups gnomAD compares: Middle Eastern, 0.03%; no homozygotes.

Submissions (4):

Labcorp Genetics (formerly Invitae), Labcorp
Classification: Likely benign. Last evaluated: 2026-01-24. Review status: criteria provided, single submitter. Criteria: Invitae Variant Classification Sherloc (09022015). Collection method: clinical testing. Allele origin: germline.

PreventionGenetics, part of Exact Sciences
Classification: Likely benign for CACNA1B-related condition. Last evaluated: 2025-06-16. Review status: criteria provided, single submitter. Criteria: ACMG Guidelines, 2015. Collection method: clinical testing. Allele origin: germline.
Comment: This variant is classified as likely benign based on ACMG/AMP sequence variant interpretation guidelines (Richards et al. 2015 PMID: 25741868, with internal and published modifications).

Blueprint Genetics
Classification: Likely benign. Last evaluated: 2024-08-15. Review status: criteria provided, single submitter. Criteria: ACMG Guidelines, 2015. Collection method: clinical testing. Allele origin: germline.

CeGaT Center for Human Genetics Tuebingen
Classification: Likely benign. Last evaluated: 2024-03-01. Review status: criteria provided, single submitter. Criteria: CeGaT Center For Human Genetics Tuebingen Variant Classification Criteria Version 2. Collection method: clinical testing. Allele origin: germline. Affected: yes. Observed: 1 variant allele.
Comment: CACNA1B: BP4, BP7